The following is an entry in ClinVar:

ClinVar aggregate classification (germline): Benign (1 of 4 stars; one submission).

Conditions:
Cleidocranial dysostosis (CLCD1). Also called: cleidocranial dysplasia 1; Marie-Sainton disease; Cleidocranial Dysplasia Spectrum Disorder. Identifiers: Orphanet 1452, MedGen C0008928, MONDO:0007340, OMIM 119600.

Allele frequency attached by ClinVar (database versions not stated): gnomAD below 0.00001 and 0.00002; ExAC 0.00005; gnomAD exomes 0.00005.
gnomAD v4.1: 47 of 1,610,382 alleles (0.0029%); highest among the groups gnomAD compares: South Asian, 0.051%; no homozygotes.

Submission:

Illumina Laboratory Services, Illumina
Classification: Benign for Cleidocranial dysostosis. Last evaluated: 2018-01-13. Review status: criteria provided, single submitter. Criteria: ICSL Variant Classification Criteria 13 December 2019. Collection method: clinical testing. Allele origin: germline.
Comment: This variant was observed in the ICSL laboratory as part of a predisposition screen in an ostensibly healthy population. It had not been previously curated by ICSL or reported in the Human Gene Mutation Database (HGMD: prior to June 1st, 2018), and was therefore a candidate for classification through an automated scoring system. Utilizing variant allele frequency, disease prevalence and penetrance estimates, and inheritance mode, an automated score was calculated to assess if this variant is too frequent to cause the disease. Based on the score and internal cut-off values, a variant classified as benign is not then subjected to further curation. The score for this variant resulted in a classification of benign for this disease.

NM_001024630.4(RUNX2):c.-66-14G>T

Genes: RUNX2 (RUNX family transcription factor 2; plus strand), SUPT3H (SPT3 homolog, SAGA and STAGA complex component; minus strand), LOC109611593 (RUNX2 P1 promoter region; plus strand). Cytogenetic location: 6p21.1.
Variant type: single nucleotide variant.
Coding change: c.-66-14G>T on transcript NM_001024630.4 (MANE Select); 14 bases into the intron before 66 bases upstream of the start codon, G replaced by T.
Molecular consequence: intron variant.
Genome position (GRCh38, 1-based): chr6:45,328,647, G>T. VCF-style: chr6-45328647-G-T. GRCh37 (hg19) VCF-style: chr6-45296384-G-T.
Other names: c.-73+36554C>A (NM_001350327.2); c.101+36554C>A (NM_001350325.2, NM_003599.4, NM_001350324.2 and 1 more transcripts); c.-265+36554C>A (NM_001261823.2); c.-51-5680C>A (NM_181356.3, NM_001350326.2); c.-66-14G>T (NM_001015051.4).
Identifiers: ClinVar variation 357086 (VCV000357086.5), dbSNP rs768238770, ClinGen allele CA3836161.